The following is an entry in ClinVar:

ClinVar aggregate classification (germline): Likely benign. Review status: criteria provided, multiple submitters, no conflicts (2 of 4 stars). 6 submissions from 6 submitters: Likely benign (5). 1 of the submissions does not count toward it. Last evaluated 2025-10-01.

Conditions:
ANKRD11-related disorder. Also called: ANKRD11-related condition.
KBG syndrome (KBGS). Also called: ANKRD11-Related KBG Syndrome. Identifiers: Orphanet 2332, MedGen C0220687, MONDO:0007846, OMIM 148050.
Inborn genetic diseases. Identifiers: MedGen C0950123, MeSH D030342.

Allele frequency attached by ClinVar (database versions not stated): TOPMed 0.00005; gnomAD 0.00006; gnomAD exomes 0.00008 and 0.00009; ExAC 0.00009; ESP Exome Variant Server 0.00009.
gnomAD v4.1: 129 of 1,607,044 alleles (0.008%); highest among the groups gnomAD compares: Non-Finnish European, 0.0095%; no homozygotes.

Submissions (6):

CeGaT Center for Human Genetics Tuebingen
Classification: Likely benign. Last evaluated: 2025-10-01. Review status: criteria provided, single submitter. Criteria: CeGaT Center For Human Genetics Tuebingen Variant Classification Criteria Version 2. Collection method: clinical testing. Allele origin: germline. Affected: yes. Observed: 2 variant alleles.
Comment: ANKRD11: BP4, BP7

Labcorp Genetics (formerly Invitae), Labcorp
Classification: Likely benign for KBG syndrome. Last evaluated: 2025-05-16. Review status: criteria provided, single submitter. Criteria: Invitae Variant Classification Sherloc (09022015). Collection method: clinical testing. Allele origin: germline.

Blueprint Genetics
Classification: Likely benign. Last evaluated: 2023-10-23. Review status: criteria provided, single submitter. Criteria: ACMG Guidelines, 2015. Collection method: clinical testing. Allele origin: germline.

GeneDx
Classification: Likely benign. Last evaluated: 2020-05-27. Review status: criteria provided, single submitter. Criteria: GeneDx Variant Classification Process June 2021. Collection method: clinical testing. Allele origin: germline. Affected: yes.

Ambry Genetics
Classification: Likely benign for Inborn genetic diseases. Last evaluated: 2019-10-23. Review status: criteria provided, single submitter. Criteria: Ambry Variant Classification Scheme 2023. Collection method: clinical testing. Allele origin: germline.

PreventionGenetics, part of Exact Sciences
Classification: Likely benign for ANKRD11-related condition. Last evaluated: 2019-06-05. Review status: no assertion criteria provided. Collection method: clinical testing. Allele origin: germline. Not counted in ClinVar's aggregate classification.
Comment: This variant is classified as likely benign based on ACMG/AMP sequence variant interpretation guidelines (Richards et al. 2015 PMID: 25741868, with internal and published modifications).

NM_013275.6(ANKRD11):c.6261C>T (p.Ala2087=)

Gene: ANKRD11 (ankyrin repeat domain 11; minus strand). Cytogenetic location: 16q24.3.
Variant type: single nucleotide variant.
Coding change: c.6261C>T on transcript NM_013275.6 (MANE Select); coding-DNA position 6261, C replaced by T.
Protein change: p.Ala2087=; no amino-acid change (alanine 2087 retained).
Molecular consequence: synonymous variant.
Genome position (GRCh38, 1-based): chr16:89,280,281, G>A on the plus strand (C>T on the coding strand, the complement: ANKRD11 is on the minus strand). VCF-style: chr16-89280281-G-A. GRCh37 (hg19) VCF-style: chr16-89346689-G-A.
Other names: c.6261C>T, p.Ala2087= (NM_001256182.2, NM_001256183.2).
Identifiers: ClinVar variation 771660 (VCV000771660.38), dbSNP rs370993869, ClinGen allele CA8241515.
Genomic context (GRCh38, chr16:89,280,281, plus strand): 5'-GCGGCTGCCGTCCAGGAAGCTATTTTCCAGGGGCCCCAGAGCCTCCACCTGAGCCACAGC[G>A]GCTACACAGGCGGGCTCGGGGGCCACGTCCAGCGGGGCTTCCGGAAGTGACTTGCAGTTG-3'
Protein context (NP_037407.4, residues 2077-2097): LDVAPEPACV[Ala2087=]AVAQVEALGP